The following is an entry in ClinVar:

ClinVar aggregate classification (germline): Uncertain significance (1 of 4 stars; one submission).

gnomAD v4.1: 1 of 1,614,118 alleles (0.000062%); highest among the groups gnomAD compares: Admixed American, 0.0017%; no homozygotes.

Submission:

GeneDx
Classification: Uncertain significance. Last evaluated: 2025-01-17. Review status: criteria provided, single submitter. Criteria: GeneDx Variant Classification Process June 2021. Collection method: clinical testing. Allele origin: germline. Affected: yes.
Comment: Not observed at significant frequency in large population cohorts (gnomAD); In silico analysis supports that this missense variant has a deleterious effect on protein structure/function; Has not been previously published as pathogenic or benign to our knowledge

NM_004525.3(LRP2):c.361A>T (p.Ile121Phe)

Gene: LRP2 (LDL receptor related protein 2; minus strand). Cytogenetic location: 2q31.1.
Variant type: single nucleotide variant.
Coding change: c.361A>T on transcript NM_004525.3 (MANE Select); coding-DNA position 361, A replaced by T.
Protein change: p.Ile121Phe; replaces isoleucine 121 with phenylalanine.
Molecular consequence: missense variant.
Genome position (GRCh38, 1-based): chr2:169,307,347, T>A on the plus strand (A>T on the coding strand, the complement: LRP2 is on the minus strand). VCF-style: chr2-169307347-T-A. GRCh37 (hg19) VCF-style: chr2-170163857-T-A.
Other names: short protein forms I121F.
Identifiers: ClinVar variation 4071687 (VCV004071687.1).